The following is an entry in ClinVar:

ClinVar aggregate classification (germline): Likely benign (1 of 4 stars; one submission).

Allele frequency attached by ClinVar (database versions not stated): ExAC 0.00001.
gnomAD v4.1: 9 of 1,210,556 alleles (0.00074%); highest among the groups gnomAD compares: African/African-American, 0.01%; no homozygotes.

Submission:

CeGaT Center for Human Genetics Tuebingen
Classification: Likely benign. Last evaluated: 2023-10-01. Review status: criteria provided, single submitter. Criteria: CeGaT Center For Human Genetics Tuebingen Variant Classification Criteria Version 2. Collection method: clinical testing. Allele origin: germline. Affected: yes. Observed: 1 variant allele.
Comment: TLR8: BP4, BP7

NM_138636.5(TLR8):c.1296G>T (p.Pro432=)

Genes: TLR8 (toll like receptor 8; plus strand), TLR8-AS1 (TLR8 antisense RNA 1; minus strand). Cytogenetic location: Xp22.2.
Variant type: single nucleotide variant.
Coding change: c.1296G>T on transcript NM_138636.5 (MANE Select); coding-DNA position 1296, G replaced by T.
Protein change: p.Pro432=; no amino-acid change (proline 432 retained).
Molecular consequence: synonymous variant.
Genome position (GRCh38, 1-based): chrX:12,920,336, G>T. VCF-style: chrX-12920336-G-T. GRCh37 (hg19) VCF-style: chrX-12938455-G-T.
Other names: c.1350G>T, p.Pro450= (NM_016610.4).
Identifiers: ClinVar variation 2673216 (VCV002673216.23), dbSNP rs773744986, ClinGen allele CA10350278.
Genomic context (GRCh38, chrX:12,920,336, plus strand): 5'-ACTTTTCCAAAATTTCTCCAATCTGGAAATTATTTACTTGTCAGAAAACAGAATATCACC[G>T]TTGGTAAAAGATACCCGGCAGAGTTATGCAAATAGTTCCTCTTTTCAACGTCATATCCGG-3'
Protein context (NP_619542.1, residues 422-442): IIYLSENRIS[Pro432=]LVKDTRQSYA